The following is an entry in ClinVar:

NM_001267550.2(TTN):c.84420C>G (p.Tyr28140Ter)

Genes: TTN-AS1 (TTN antisense RNA 1; plus strand), TTN (titin; minus strand). Cytogenetic location: 2q31.2.
Variant type: single nucleotide variant.
Coding change: c.84420C>G on transcript NM_001267550.2 (MANE Select); coding-DNA position 84420, C replaced by G.
Protein change: p.Tyr28140Ter; replaces tyrosine 28140 with a stop codon.
Molecular consequence: nonsense.
Genome position (GRCh38, 1-based): chr2:178,561,712, G>C on the plus strand (C>G on the coding strand, the complement: TTN is on the minus strand). VCF-style: chr2-178561712-G-C. GRCh37 (hg19) VCF-style: chr2-179426439-G-C.
Other names: c.79497C>G, p.Tyr26499Ter (NM_001256850.1); c.57225C>G, p.Tyr19075Ter (NM_003319.4); c.76716C>G, p.Tyr25572Ter (NM_133378.4); c.57600C>G, p.Tyr19200Ter (NM_133432.3); c.57801C>G, p.Tyr19267Ter (NM_133437.4); short protein forms Y19075*, Y19200*, Y19267*, Y25572*, Y26499*, Y28140*.
Identifiers: ClinVar variation 3757837 (VCV003757837.2).

ClinVar aggregate classification (germline): Likely pathogenic (1 of 4 stars; one submission).

Conditions:
Dilated cardiomyopathy 1G (CMD1G). Identifiers: Orphanet 154, MedGen C1858763, MONDO:0011400, OMIM 604145.
Autosomal recessive limb-girdle muscular dystrophy type 2J (LGMDR10). Also called: Limb-girdle muscular dystrophy, type 2J; MUSCULAR DYSTROPHY, LIMB-GIRDLE, AUTOSOMAL RECESSIVE 10. Identifiers: Orphanet 140922, MedGen C1837342, MONDO:0012127, OMIM 608807.

Submission:

Labcorp Genetics (formerly Invitae), Labcorp
Classification: Likely pathogenic for Dilated cardiomyopathy 1G; Autosomal recessive limb-girdle muscular dystrophy type 2J. Last evaluated: 2024-08-27. Review status: criteria provided, single submitter. Criteria: Invitae Variant Classification Sherloc (09022015). Collection method: clinical testing. Allele origin: germline.
Comment: This sequence change creates a premature translational stop signal (p.Tyr28140*) in the TTN gene. While this is not anticipated to result in nonsense mediated decay, it is expected to create a truncated TTN protein. This variant is not present in population databases (gnomAD no frequency). This variant has not been reported in the literature in individuals affected with TTN-related conditions. This variant is located in the A band of TTN (PMID: 25589632). Truncating variants in this region are significantly overrepresented in patients affected with dilated cardiomyopathy (PMID: 25589632). Truncating variants in this region have also been reported in individuals affected with autosomal recessive centronuclear myopathy (PMID: 23975875). In summary, the currently available evidence indicates that the variant is pathogenic, but additional data are needed to prove that conclusively. Therefore, this variant has been classified as Likely Pathogenic.

Literature cited by the submitters: PubMed 25589632; PubMed 23975875.